The following is an entry in ClinVar:

ClinVar aggregate classification (germline): Likely benign (1 of 4 stars; one submission).

Allele frequency attached by ClinVar (database versions not stated): gnomAD exomes 0.00001; TOPMed 0.00003; ExAC 0.00005.
gnomAD v4.1: 25 of 1,604,082 alleles (0.0016%); highest among the groups gnomAD compares: Middle Eastern, 0.017%; no homozygotes.

Submission:

CeGaT Center for Human Genetics Tuebingen
Classification: Likely benign. Last evaluated: 2024-04-01. Review status: criteria provided, single submitter. Criteria: CeGaT Center For Human Genetics Tuebingen Variant Classification Criteria Version 2. Collection method: clinical testing. Allele origin: germline. Affected: yes. Observed: 1 variant allele.
Comment: FLT4: BP4, BP7

NM_182925.5(FLT4):c.168C>T (p.Pro56=)

Gene: FLT4 (fms related receptor tyrosine kinase 4; minus strand). Cytogenetic location: 5q35.3.
Variant type: single nucleotide variant.
Coding change: c.168C>T on transcript NM_182925.5 (MANE Select); coding-DNA position 168, C replaced by T.
Protein change: p.Pro56=; no amino-acid change (proline 56 retained).
Molecular consequence: synonymous variant.
Genome position (GRCh38, 1-based): chr5:180,630,787, G>A on the plus strand (C>T on the coding strand, the complement: FLT4 is on the minus strand). VCF-style: chr5-180630787-G-A. GRCh37 (hg19) VCF-style: chr5-180057787-G-A.
Other names: c.168C>T, p.Pro56= (NM_001354989.2, NM_002020.5).
Identifiers: ClinVar variation 3239348 (VCV003239348.19), dbSNP rs373472320.